The following is an entry in ClinVar:

NM_001792.5(CDH2):c.1867A>G (p.Ile623Val)

Gene: CDH2 (cadherin 2; minus strand). Cytogenetic location: 18q12.1.
Variant type: single nucleotide variant.
Coding change: c.1867A>G on transcript NM_001792.5 (MANE Select); coding-DNA position 1867, A replaced by G.
Protein change: p.Ile623Val; replaces isoleucine 623 with valine.
Molecular consequence: missense variant.
Genome position (GRCh38, 1-based): chr18:27,985,636, T>C on the plus strand (A>G on the coding strand, the complement: CDH2 is on the minus strand). VCF-style: chr18-27985636-T-C. GRCh37 (hg19) VCF-style: chr18-25565600-T-C.
Other names: c.1774A>G, p.Ile592Val (NM_001308176.2); short protein forms I623V, I592V.
Identifiers: ClinVar variation 1987066 (VCV001987066.4), dbSNP rs758709494, ClinGen allele CA8923284.

ClinVar aggregate classification (germline): Uncertain significance (1 of 4 stars; one submission).

Allele frequency attached by ClinVar (database versions not stated): gnomAD exomes below 0.00001; ExAC 0.00001; gnomAD 0.00001; TOPMed 0.00001.
gnomAD v4.1: 6 of 1,613,812 alleles (0.00037%); highest among the groups gnomAD compares: Non-Finnish European, 0.00042%; no homozygotes.

Submission:

Labcorp Genetics (formerly Invitae), Labcorp
Classification: Uncertain significance. Last evaluated: 2025-06-29. Review status: criteria provided, single submitter. Criteria: Invitae Variant Classification Sherloc (09022015). Collection method: clinical testing. Allele origin: germline.
Comment: This sequence change replaces isoleucine, which is neutral and non-polar, with valine, which is neutral and non-polar, at codon 623 of the CDH2 protein (p.Ile623Val). This variant is present in population databases (rs758709494, gnomAD 0.002%). This variant has not been reported in the literature in individuals affected with CDH2-related conditions. ClinVar contains an entry for this variant (Variation ID: 1987066). An algorithm developed to predict the effect of missense changes on protein structure and function (PolyPhen-2) suggests that this variant is likely to be tolerated. In summary, the available evidence is currently insufficient to determine the role of this variant in disease. Therefore, it has been classified as a Variant of Uncertain Significance.